The following is an entry in ClinVar:

NM_002691.4(POLD1):c.617C>T (p.Pro206Leu)

Gene: POLD1 (DNA polymerase delta 1, catalytic subunit; plus strand). Cytogenetic location: 19q13.33.
Variant type: single nucleotide variant.
Coding change: c.617C>T on transcript NM_002691.4 (MANE Select); coding-DNA position 617, C replaced by T.
Protein change: p.Pro206Leu; replaces proline 206 with leucine.
Molecular consequence: missense variant. On other transcripts: non-coding transcript variant (1).
Genome position (GRCh38, 1-based): chr19:50,402,232, C>T. VCF-style: chr19-50402232-C-T. GRCh37 (hg19) VCF-style: chr19-50905489-C-T.
Other names: c.617C>T, p.Pro206Leu (NM_001256849.1, NM_001308632.1); c.617C>T (NM_002691.2); short protein forms P206L.
Identifiers: ClinVar variation 1413429 (VCV001413429.7), dbSNP rs2122243828, ClinGen allele CA406973916.

ClinVar aggregate classification (germline): Uncertain significance. Review status: criteria provided, multiple submitters, no conflicts (2 of 4 stars). 2 submissions from 2 submitters: Uncertain significance (2). Last evaluated 2024-03-05.

Conditions:
POLD1-related polyposis and colorectal cancer syndrome (CRCS10). Also called: Colorectal cancer, susceptibility to, 10; Colorectal cancer 10; COLORECTAL CANCER, SUSCEPTIBILITY TO, ON CHROMOSOME 19q. Identifiers: Orphanet 220460, MedGen C2675481, MONDO:0012953, OMIM 612591.
Hereditary cancer-predisposing syndrome. Also called: Tumor predisposition; Hereditary Cancer Syndrome; Hereditary neoplastic syndrome; Neoplastic Syndromes, Hereditary. Identifiers: Orphanet 140162, MedGen C0027672, MeSH D009386, MONDO:0015356.

Submissions (2):

Ambry Genetics
Classification: Uncertain significance for Hereditary cancer-predisposing syndrome. Last evaluated: 2024-03-05. Review status: criteria provided, single submitter. Criteria: Ambry Variant Classification Scheme 2023. Collection method: clinical testing. Allele origin: germline.
Comment: The p.P206L variant (also known as c.617C>T), located in coding exon 5 of the POLD1 gene, results from a C to T substitution at nucleotide position 617. The proline at codon 206 is replaced by leucine, an amino acid with similar properties. This amino acid position is conserved. In addition, this alteration is predicted to be tolerated by in silico analysis. Based on the available evidence, the clinical significance of this alteration remains unclear.

Labcorp Genetics (formerly Invitae), Labcorp
Classification: Uncertain significance for POLD1-related polyposis and colorectal cancer syndrome. Last evaluated: 2021-11-02. Review status: criteria provided, single submitter. Criteria: Invitae Variant Classification Sherloc (09022015). Collection method: clinical testing. Allele origin: germline.
Comment: This sequence change replaces proline, which is neutral and non-polar, with leucine, which is neutral and non-polar, at codon 206 of the POLD1 protein (p.Pro206Leu). In summary, the available evidence is currently insufficient to determine the role of this variant in disease. Therefore, it has been classified as a Variant of Uncertain Significance. Algorithms developed to predict the effect of missense changes on protein structure and function (SIFT, PolyPhen-2, Align-GVGD) all suggest that this variant is likely to be tolerated. This variant has not been reported in the literature in individuals affected with POLD1-related conditions. This variant is not present in population databases (gnomAD no frequency).